The following is an entry in ClinVar:

ClinVar aggregate classification (germline): Uncertain significance (1 of 4 stars; one submission).

Conditions:
Cardiovascular phenotype. Identifiers: MedGen CN230736.

Submission:

Ambry Genetics
Classification: Uncertain significance for Cardiovascular phenotype. Last evaluated: 2019-07-08. Review status: criteria provided, single submitter. Criteria: Ambry Variant Classification Scheme 2023. Collection method: clinical testing. Allele origin: germline.
Comment: The c.1671_1676dupCGTGGA variant (also known as p.V558_D559dup) is located in coding exon 13 of the CACNB2 gene. This variant results from an in-frame duplication of 6 nucleotides at positions 1671 to 1676. This results in the duplication of 2 extra residues (VD) between codons 558 and 559. This amino acid position is poorly conserved in available vertebrate species. Since supporting evidence is limited at this time, the clinical significance of this alteration remains unclear.

NM_201596.3(CACNB2):c.1833_1838dup (p.Asp613_Arg614insValAsp)

Gene: CACNB2 (calcium voltage-gated channel auxiliary subunit beta 2; plus strand). Cytogenetic location: 10p12.31.
Variant type: Duplication.
Coding change: c.1833_1838dup on transcript NM_201596.3 (MANE Select); coding-DNA positions 1833 to 1838, 6 bases duplicated (CGTGGA; older notation c.1833_1838dupCGTGGA).
Protein change: p.Asp613_Arg614insValAsp.
Molecular consequence: inframe insertion. On other transcripts: inframe indel (1).
Genome position (GRCh38, 1-based): chr10:18,539,574-18,539,579, CGTGGA duplicated; duplicating any 6 consecutive bases within chr10:18,539,571-18,539,579 gives the same sequence; the c. name uses the placement nearest the transcript's 3' end. VCF-style (leftmost placement, unchanged base first): chr10-18539570-G-GGGACGT. GRCh37 (hg19) VCF-style: chr10-18828499-G-GGGACGT.
Other names: c.1668_1673dup, p.Asp558_Arg559insValAsp (NM_000724.4); c.1635_1640dup, p.Asp547_Arg548insValAsp (NM_001167945.2); c.1554_1559dup, p.Asp520_Arg521insValAsp (NM_001330060.2); c.1575_1580dup, p.Asp527_Arg528insValAsp (NM_001410882.1); c.1689_1694dup, p.Asp565_Arg566insValAsp (NM_201570.3); c.1749_1754dup, p.Asp585_Arg586insValAsp (NM_201571.4); c.1677_1682dup, p.Asp561_Arg562insValAsp (NM_201572.4); c.1671_1676dup, p.Asp559_Arg560insValAsp (NM_201590.3); and 2 more.
Identifiers: ClinVar variation 1777687 (VCV001777687.2), dbSNP rs1564678544, ClinGen allele CA592060477.